The following is an entry in ClinVar:

NM_001039591.3(USP9X):c.802_803del (p.Leu268fs)

Gene: USP9X (ubiquitin specific peptidase 9 X-linked; plus strand). Cytogenetic location: Xp11.4.
Variant type: Microsatellite.
Coding change: c.802_803del on transcript NM_001039591.3 (MANE Select); coding-DNA positions 802 to 803, 2 bases deleted (CT; older notation c.802_803delCT).
Protein change: p.Leu268fs; shifts the reading frame from leucine 268.
Molecular consequence: frameshift variant.
Genome position (GRCh38, 1-based): chrX:41,140,997-41,140,998, CT deleted; deleting any 2 consecutive bases within chrX:41,140,995-41,140,998 gives the same sequence; the c. name uses the placement nearest the transcript's 3' end. VCF-style (leftmost placement, unchanged base first): chrX-41140994-ACT-A. GRCh37 (hg19) VCF-style: chrX-41000247-ACT-A.
Other names: c.802_803del, p.Leu268fs (NM_001039590.3, NM_001410748.1, NM_001410749.1); short protein forms L268fs.
Identifiers: ClinVar variation 2575230 (VCV002575230.2), dbSNP rs2519131427, ClinGen allele CA2580616990.

ClinVar aggregate classification (germline): Uncertain significance (1 of 4 stars; one submission).

Conditions:
Intellectual developmental disorder, X-linked 99. Also called: Intellectual disability, X-linked 99. Identifiers: Orphanet 777, MedGen C3806746, MONDO:0010487, OMIM 300919.

Submission:

Johns Hopkins Genomics, Johns Hopkins University
Classification: Uncertain significance for Intellectual developmental disorder, X-linked 99. Last evaluated: 2023-06-01. Review status: criteria provided, single submitter. Criteria: ACMG Guidelines, 2015. Collection method: clinical testing. Allele origin: germline.
Comment: This USP9X variant is absent from a large population dataset and has not been reported in ClinVar nor the literature, to our knowledge. This frameshift variant in exon 8 results in a premature stop codon likely leading to nonsense-mediated decay and lack of protein production. Due to limited evidence that variants in the USP9X gene cause EA/TEF and the absence of USP9X-related phenotypes in the patient at the time of testing, we consider the clinical significance of c.802_803del (p.Leu268fs) to be uncertain at this time.

Literature cited by the submitters: PubMed 32641753; PubMed 35519826.